The following is an entry in ClinVar:

ClinVar aggregate classification (germline): Pathogenic (1 of 4 stars; one submission).

Conditions:
Epilepsy, familial adult myoclonic, 5 (EPEO5). Also called: CORTICAL MYOCLONIC TREMOR WITH EPILEPSY, FAMILIAL, 5. Identifiers: Orphanet 86814, MedGen C3809374, MONDO:0014167, OMIM 615400.

Submission:

Labcorp Genetics (formerly Invitae), Labcorp
Classification: Pathogenic for Epilepsy, familial adult myoclonic, 5. Last evaluated: 2022-06-01. Review status: criteria provided, single submitter. Criteria: Invitae Variant Classification Sherloc (09022015). Collection method: clinical testing. Allele origin: germline.
Comment: For these reasons, this variant has been classified as Pathogenic. This variant has not been reported in the literature in individuals affected with CNTN2-related conditions. A gross deletion of the genomic region encompassing the full coding sequence of the CNTN2 gene has been identified. Loss-of-function variants in CNTN2 are known to be pathogenic (PMID: 11178983, 23518707). The boundaries of this event are unknown as they extend beyond the assayed region for this gene and therefore may encompass additional genes.

Literature cited by the submitters: PubMed 11178983; PubMed 23518707.

NC_000001.10:g.(?_205022314)_(205042893_?)del

Gene: CNTN2 (contactin 2; plus strand). Cytogenetic location: 1q32.1.
Variant type: Deletion.
Identifiers: ClinVar variation 2425292 (VCV002425292.4).